The following is an entry in ClinVar:

NM_006269.2(RP1):c.6298C>T (p.Leu2100Phe)

Gene: RP1 (RP1 axonemal microtubule associated; plus strand). Cytogenetic location: 8q12.1.
Variant type: single nucleotide variant.
Coding change: c.6298C>T on transcript NM_006269.2 (MANE Select); coding-DNA position 6298, C replaced by T.
Protein change: p.Leu2100Phe; replaces leucine 2100 with phenylalanine.
Molecular consequence: missense variant. On other transcripts: intron variant (1).
Genome position (GRCh38, 1-based): chr8:54,630,180, C>T. VCF-style: chr8-54630180-C-T. GRCh37 (hg19) VCF-style: chr8-55542740-C-T.
Other names: c.787+7892C>T (NM_001375654.1); short protein forms L2100F.
Identifiers: ClinVar variation 1482890 (VCV001482890.10), dbSNP rs763216053, ClinGen allele CA4752222.

ClinVar aggregate classification (germline): Uncertain significance. Review status: criteria provided, multiple submitters, no conflicts (2 of 4 stars). 3 submissions from 3 submitters: Uncertain significance (3). Last evaluated 2025-04-16.

Conditions:
Retinitis pigmentosa 1 (RP1). Identifiers: Orphanet 791, MedGen C0220701, MONDO:0008377, OMIM 180100.

Allele frequency attached by ClinVar (database versions not stated): gnomAD exomes below 0.00001 and 0.00001; TOPMed 0.00001.
gnomAD v4.1: 7 of 1,613,674 alleles (0.00043%); highest among the groups gnomAD compares: Admixed American, 0.0017%; no homozygotes.

Submissions (3):

Labcorp Genetics (formerly Invitae), Labcorp
Classification: Uncertain significance. Last evaluated: 2025-04-16. Review status: criteria provided, single submitter. Criteria: Invitae Variant Classification Sherloc (09022015). Collection method: clinical testing. Allele origin: germline.
Comment: This sequence change replaces leucine, which is neutral and non-polar, with phenylalanine, which is neutral and non-polar, at codon 2100 of the RP1 protein (p.Leu2100Phe). The frequency data for this variant in the population databases is considered unreliable, as metrics indicate poor data quality at this position in the gnomAD database. This missense change has been observed in individual(s) with clinical features of retinitis pigmentosa (internal data). ClinVar contains an entry for this variant (Variation ID: 1482890). An algorithm developed to predict the effect of missense changes on protein structure and function outputs the following: PolyPhen-2: "Benign". The phenylalanine amino acid residue is found in multiple mammalian species, which suggests that this missense change does not adversely affect protein function. In summary, the available evidence is currently insufficient to determine the role of this variant in disease. Therefore, it has been classified as a Variant of Uncertain Significance.

Blueprint Genetics
Classification: Uncertain significance. Last evaluated: 2024-04-08. Review status: criteria provided, single submitter. Criteria: ACMG Guidelines, 2015. Collection method: clinical testing. Allele origin: germline.

Department of Pathology and Laboratory Medicine, Sinai Health System
Classification: Uncertain significance for Retinitis pigmentosa 1. Last evaluated: 2023-01-15. Review status: criteria provided, single submitter. Criteria: ACMG Guidelines, 2015. Collection method: research. Allele origin: germline.